The following is an entry in ClinVar:

NM_014000.3(VCL):c.500G>A (p.Gly167Glu)

Gene: VCL (vinculin; plus strand). Cytogenetic location: 10q22.2.
Variant type: single nucleotide variant.
Coding change: c.500G>A on transcript NM_014000.3 (MANE Select); coding-DNA position 500, G replaced by A.
Protein change: p.Gly167Glu; replaces glycine 167 with glutamic acid.
Molecular consequence: missense variant.
Genome position (GRCh38, 1-based): chr10:74,072,730, G>A. VCF-style: chr10-74072730-G-A. GRCh37 (hg19) VCF-style: chr10-75832488-G-A.
Other names: c.500G>A, p.Gly167Glu (NM_003373.4); short protein forms G167E.
Identifiers: ClinVar variation 626752 (VCV000626752.3), dbSNP rs1564523552, ClinGen allele CA377267814.

ClinVar aggregate classification (germline): Uncertain significance. Review status: criteria provided, multiple submitters, no conflicts (2 of 4 stars). 2 submissions from 2 submitters: Uncertain significance (2). Last evaluated 2024-06-25.

Conditions:
Cardiomyopathy (CMYO). Also called: Cardiomyopathies. Identifiers: Orphanet 167848, MedGen C0878544, MONDO:0004994, HP:0001638. Inheritance: Various modes of inheritance.

Submissions (2):

GeneDx
Classification: Uncertain significance. Last evaluated: 2024-06-25. Review status: criteria provided, single submitter. Criteria: GeneDx Variant Classification Process June 2021. Collection method: clinical testing. Allele origin: germline. Affected: yes.
Comment: Not observed at significant frequency in large population cohorts (gnomAD); In silico analysis supports that this missense variant has a deleterious effect on protein structure/function; Has not been previously published as pathogenic or benign to our knowledge

CHEO Genetics Diagnostic Laboratory, Children's Hospital of Eastern Ontario
Classification: Uncertain significance for Cardiomyopathy. Last evaluated: 2016-08-04. Review status: criteria provided, single submitter. Criteria: ACMG Guidelines, 2015. Collection method: clinical testing. Allele origin: germline. Study: Canadian Open Genetics Repository.